The following is an entry in ClinVar:

ClinVar aggregate classification (germline): Uncertain significance (1 of 4 stars; one submission).

Allele frequency attached by ClinVar (database versions not stated): gnomAD exomes below 0.00001; TOPMed below 0.00001.

Submission:

Laboratory for Molecular Medicine, Mass General Brigham Personalized Medicine
Classification: Uncertain significance. Last evaluated: 2017-03-31. Review status: criteria provided, single submitter. Criteria: LMM Criteria. Collection method: clinical testing. Allele origin: germline. Observed: 1 variant allele.
Comment: The p.Ala1072Val variant in MYH9 has not been previously reported in individuals with hearing loss or MYH9-related disorders, or in large population studies. Co mputational prediction tools and conservation analysis do not provide strong sup port for or against an impact to the protein. In summary, the clinical significa nce of the p.Ala1072Val variant is uncertain.

NM_002473.6(MYH9):c.3215C>T (p.Ala1072Val)

Gene: MYH9 (myosin heavy chain 9; minus strand). Cytogenetic location: 22q12.3.
Variant type: single nucleotide variant.
Coding change: c.3215C>T on transcript NM_002473.6 (MANE Select); coding-DNA position 3215, C replaced by T.
Protein change: p.Ala1072Val; replaces alanine 1072 with valine.
Molecular consequence: missense variant.
Genome position (GRCh38, 1-based): chr22:36,296,900, G>A on the plus strand (C>T on the coding strand, the complement: MYH9 is on the minus strand). VCF-style: chr22-36296900-G-A. GRCh37 (hg19) VCF-style: chr22-36692946-G-A.
Other names: short protein forms A1072V.
Identifiers: ClinVar variation 517304 (VCV000517304.4), dbSNP rs1556631812, ClinGen allele CA411389399.
Genomic context (GRCh38, chr22:36,296,900, plus strand): 5'-CACCTGGCCAGGGCGGCCTGGAGCTCCTCCTCTTTCTTGGCCAGCTGCATCTTGAGCTCC[G>A]CGATCTGGGCCTGGAGCTCGGCGATCTGGTCGCTGAGGTCTGTGGAGTCTCCCTCCAGCT-3'
Protein context (NP_002464.1, residues 1062-1082): DQIAELQAQI[Ala1072Val]ELKMQLAKKE